The following is an entry in ClinVar:

NM_002451.4(MTAP):c.*17A>G

Gene: MTAP (methylthioadenosine phosphorylase; plus strand). Cytogenetic location: 9p21.3.
Variant type: single nucleotide variant.
Coding change: c.*17A>G on transcript NM_002451.4 (MANE Select); 17 bases downstream of the stop codon, A replaced by G.
Molecular consequence: 3 prime UTR variant.
Genome position (GRCh38, 1-based): chr9:21,862,031, A>G. VCF-style: chr9-21862031-A-G. GRCh37 (hg19) VCF-style: chr9-21862030-A-G.
Identifiers: ClinVar variation 366252 (VCV000366252.5), dbSNP rs553057304, ClinGen allele CA5012013.

ClinVar aggregate classification (germline): Benign (1 of 4 stars; one submission).

Conditions:
Diaphyseal medullary stenosis-bone malignancy syndrome. Also called: MYOPATHY, LIMB-GIRDLE, WITH BONE FRAGILITY; BONE DYSPLASIA WITH MALIGNANT FIBROUS HISTIOCYTOMA; BONE DYSPLASIA WITH MEDULLARY FIBROSARCOMA. Identifiers: Orphanet 85182, MedGen C1862177, MONDO:0007205, OMIM 112250.

Allele frequency attached by ClinVar (database versions not stated): 1000 Genomes Project 0.00060; 1000 Genomes Project 30x 0.00078; gnomAD 0.00001 and 0.00005; TOPMed 0.00001; gnomAD exomes 0.00011 and 0.00024; ExAC 0.00031.
gnomAD v4.1: 161 of 1,612,932 alleles (0.01%); highest among the groups gnomAD compares: South Asian, 0.17%; 1 homozygote.

Submission:

Illumina Laboratory Services, Illumina
Classification: Benign for Diaphyseal medullary stenosis-bone malignancy syndrome. Last evaluated: 2018-01-13. Review status: criteria provided, single submitter. Criteria: ICSL Variant Classification Criteria 13 December 2019. Collection method: clinical testing. Allele origin: germline.
Comment: This variant was observed in the ICSL laboratory as part of a predisposition screen in an ostensibly healthy population. It had not been previously curated by ICSL or reported in the Human Gene Mutation Database (HGMD: prior to June 1st, 2018), and was therefore a candidate for classification through an automated scoring system. Utilizing variant allele frequency, disease prevalence and penetrance estimates, and inheritance mode, an automated score was calculated to assess if this variant is too frequent to cause the disease. Based on the score and internal cut-off values, a variant classified as benign is not then subjected to further curation. The score for this variant resulted in a classification of benign for this disease.